The following is an entry in ClinVar:

NM_000271.5(NPC1):c.2373+8G>A

Gene: NPC1 (NPC intracellular cholesterol transporter 1; minus strand). Cytogenetic location: 18q11.2.
Variant type: single nucleotide variant.
Coding change: c.2373+8G>A on transcript NM_000271.5 (MANE Select); 8 bases into the intron after coding-DNA position 2373, G replaced by A.
Molecular consequence: intron variant.
Genome position (GRCh38, 1-based): chr18:23,541,298, C>T on the plus strand (G>A on the coding strand, the complement: NPC1 is on the minus strand). VCF-style: chr18-23541298-C-T. GRCh37 (hg19) VCF-style: chr18-21121262-C-T.
Other names: c.2373+8G>A (NM_000271.4).
Identifiers: ClinVar variation 1576590 (VCV001576590.9), dbSNP rs772364989, ClinGen allele CA8913134.

ClinVar aggregate classification (germline): Likely benign. Review status: criteria provided, multiple submitters, no conflicts (2 of 4 stars). 2 submissions from 2 submitters: Likely benign (2). Last evaluated 2025-11-19.

Conditions:
Niemann-Pick disease, type C1. Also called: NIEMANN-PICK DISEASE, VARIANT TYPE C1; NEUROVISCERAL STORAGE DISEASE WITH VERTICAL SUPRANUCLEAR OPHTHALMOPLEGIA; NIEMANN-PICK DISEASE WITH CHOLESTEROL ESTERIFICATION BLOCK; NIEMANN-PICK DISEASE WITHOUT SPHINGOMYELINASE DEFICIENCY; NIEMANN-PICK DISEASE, CHRONIC NEURONOPATHIC FORM. Identifiers: Orphanet 646, MedGen C3179455, MONDO:0009757, OMIM 257220.
NPC1-related disorder. Also called: NPC1-related condition.

Allele frequency attached by ClinVar (database versions not stated): ExAC 0.00001; gnomAD 0.00001; gnomAD exomes 0.00001; TOPMed 0.00002.
gnomAD v4.1: 12 of 1,614,106 alleles (0.00074%); highest among the groups gnomAD compares: African/African-American, 0.0027%; no homozygotes.

Submissions (2):

PreventionGenetics, part of Exact Sciences
Classification: Likely benign for NPC1-related condition. Last evaluated: 2025-11-19. Review status: criteria provided, single submitter. Criteria: ACMG Guidelines, 2015. Collection method: clinical testing. Allele origin: germline.
Comment: This variant is classified as likely benign based on ACMG/AMP sequence variant interpretation guidelines (Richards et al. 2015 PMID: 25741868, with internal and published modifications).

Labcorp Genetics (formerly Invitae), Labcorp
Classification: Likely benign for Niemann-Pick disease, type C1. Last evaluated: 2025-09-16. Review status: criteria provided, single submitter. Criteria: Invitae Variant Classification Sherloc (09022015). Collection method: clinical testing. Allele origin: germline.